The following is an entry in ClinVar:

NM_001303052.2(MYT1L):c.504C>A (p.Asn168Lys)

Gene: MYT1L (myelin transcription factor 1 like; minus strand). Cytogenetic location: 2p25.3.
Variant type: single nucleotide variant.
Coding change: c.504C>A on transcript NM_001303052.2 (MANE Select); coding-DNA position 504, C replaced by A.
Protein change: p.Asn168Lys; replaces asparagine 168 with lysine.
Molecular consequence: missense variant.
Genome position (GRCh38, 1-based): chr2:1,942,983, G>T on the plus strand (C>A on the coding strand, the complement: MYT1L is on the minus strand). VCF-style: chr2-1942983-G-T. GRCh37 (hg19) VCF-style: chr2-1946755-G-T.
Other names: c.504C>A, p.Asn168Lys (NM_001329844.2, NM_001329845.1, NM_001329846.3 and 6 more transcripts); short protein forms N168K.
Identifiers: ClinVar variation 3902639 (VCV003902639.1).

ClinVar aggregate classification (germline): Uncertain significance (1 of 4 stars; one submission).

gnomAD v4.1: 1 of 1,531,800 alleles (0.000065%); highest among the groups gnomAD compares: South Asian, 0.0013%; no homozygotes.

Submission:

Women's Health and Genetics/Laboratory Corporation of America, LabCorp
Classification: Uncertain significance. Last evaluated: 2025-05-28. Review status: criteria provided, single submitter. Criteria: LabCorp Variant Classification Summary - May 2015. Collection method: clinical testing. Allele origin: germline.
Comment: Variant summary: MYT1L c.504C>A (p.Asn168Lys) results in a non-conservative amino acid change in the encoded protein sequence. Algorithms developed to predict the effect of missense changes on protein structure and function are either unavailable or do not agree on the potential impact of this missense change. Consensus agreement among computation tools predict no significant impact on normal splicing. However, these predictions have yet to be confirmed by functional studies. The variant allele was found at a frequency of 7.2e-06 in 138984 control chromosomes. The available data on variant occurrences in the general population are insufficient to allow any conclusion about variant significance. To our knowledge, no occurrence of c.504C>A in individuals affected with Mental Retardation, Autosomal Dominant 39 and no experimental evidence demonstrating its impact on protein function have been reported. No submitters have cited clinical-significance assessments for this variant to ClinVar. Based on the evidence outlined above, the variant was classified as uncertain significance.